The following is an entry in ClinVar:

ClinVar aggregate classification (germline): Uncertain significance. Review status: criteria provided, multiple submitters, no conflicts (2 of 4 stars). 3 submissions from 3 submitters: Uncertain significance (3). Last evaluated 2023-11-01.

Conditions:
Sitosterolemia 1. Identifiers: MedGen C2749759, MONDO:0020747, OMIM 210250.
Cardiovascular phenotype. Identifiers: MedGen CN230736.

Allele frequency attached by ClinVar (database versions not stated): ExAC 0.00001; gnomAD 0.00001; TOPMed 0.00001; ESP Exome Variant Server 0.00008.
gnomAD v4.1: 10 of 1,614,084 alleles (0.00062%); highest among the groups gnomAD compares: Non-Finnish European, 0.00085%; no homozygotes.

Submissions (3):

Ambry Genetics
Classification: Uncertain significance for Cardiovascular phenotype. Last evaluated: 2023-11-01. Review status: criteria provided, single submitter. Criteria: Ambry Variant Classification Scheme 2023. Collection method: clinical testing. Allele origin: germline.
Comment: The p.G524D variant (also known as c.1571G>A), located in coding exon 11 of the ABCG8 gene, results from a G to A substitution at nucleotide position 1571. The glycine at codon 524 is replaced by aspartic acid, an amino acid with similar properties. This amino acid position is conserved. In addition, this alteration is predicted to be tolerated by in silico analysis. Since supporting evidence is limited at this time, the clinical significance of this alteration remains unclear.

Labcorp Genetics (formerly Invitae), Labcorp
Classification: Uncertain significance. Last evaluated: 2022-08-19. Review status: criteria provided, single submitter. Criteria: Invitae Variant Classification Sherloc (09022015). Collection method: clinical testing. Allele origin: germline.
Comment: This variant has not been reported in the literature in individuals affected with ABCG8-related conditions. In summary, the available evidence is currently insufficient to determine the role of this variant in disease. Therefore, it has been classified as a Variant of Uncertain Significance. Algorithms developed to predict the effect of missense changes on protein structure and function output the following: SIFT: "Tolerated"; PolyPhen-2: "Benign"; Align-GVGD: "Class C0". The aspartic acid amino acid residue is found in multiple mammalian species, which suggests that this missense change does not adversely affect protein function. This variant is present in population databases (rs146962338, gnomAD 0.0009%). This sequence change replaces glycine, which is neutral and non-polar, with aspartic acid, which is acidic and polar, at codon 524 of the ABCG8 protein (p.Gly524Asp).

Revvity Omics, Revvity
Classification: Uncertain significance for Sitosterolemia 1. Last evaluated: 2022-04-28. Review status: criteria provided, single submitter. Criteria: ACMG Guidelines, 2015. Collection method: clinical testing. Allele origin: germline.

NM_022437.3(ABCG8):c.1571G>A (p.Gly524Asp)

Gene: ABCG8 (ATP binding cassette subfamily G member 8; plus strand). Cytogenetic location: 2p21.
Variant type: single nucleotide variant.
Coding change: c.1571G>A on transcript NM_022437.3 (MANE Select); coding-DNA position 1571, G replaced by A.
Protein change: p.Gly524Asp; replaces glycine 524 with aspartic acid.
Molecular consequence: missense variant.
Genome position (GRCh38, 1-based): chr2:43,875,228, G>A. VCF-style: chr2-43875228-G-A. GRCh37 (hg19) VCF-style: chr2-44102367-G-A.
Other names: c.1571G>A (NM_022437.2); c.1568G>A, p.Gly523Asp (NM_001357321.2); short protein forms G524D, G523D.
Identifiers: ClinVar variation 2153134 (VCV002153134.6), dbSNP rs146962338, ClinGen allele CA1637549.